The following is an entry in ClinVar:

NM_000535.7(PMS2):c.1079T>A (p.Ile360Lys)

Gene: PMS2 (PMS1 homolog 2, mismatch repair system component; minus strand). Cytogenetic location: 7p22.1.
Variant type: single nucleotide variant.
Coding change: c.1079T>A on transcript NM_000535.7 (MANE Select); coding-DNA position 1079, T replaced by A.
Protein change: p.Ile360Lys; replaces isoleucine 360 with lysine.
Molecular consequence: missense variant. On other transcripts: non-coding transcript variant (1), intron variant (2).
Genome position (GRCh38, 1-based): chr7:5,989,865, A>T on the plus strand (T>A on the coding strand, the complement: PMS2 is on the minus strand). VCF-style: chr7-5989865-A-T. GRCh37 (hg19) VCF-style: chr7-6029496-A-T.
Other names: c.674T>A, p.Ile225Lys (NM_001322003.2, NM_001322004.2, NM_001322005.2 and 1 more transcripts); c.761T>A, p.Ile254Lys (NM_001322007.2, NM_001322008.2); c.146T>A, p.Ile49Lys (NM_001322011.2, NM_001322012.2); c.506T>A, p.Ile169Lys (NM_001322013.2); c.1079T>A, p.Ile360Lys (NM_001322014.2); c.770T>A, p.Ile257Lys (NM_001322015.2); c.583+2108T>A (NM_001322010.2); c.988+2108T>A (NM_001322006.2); short protein forms I360K, I169K, I225K, I254K, I49K, I257K.
Identifiers: ClinVar variation 484304 (VCV000484304.10), dbSNP rs1554298715, ClinGen allele CA366742855.

ClinVar aggregate classification (germline): Uncertain significance. Review status: criteria provided, multiple submitters, no conflicts (2 of 4 stars). 2 submissions from 2 submitters: Uncertain significance (2). Last evaluated 2024-03-26.

Conditions:
Hereditary cancer-predisposing syndrome. Also called: Neoplastic Syndromes, Hereditary; Tumor predisposition; Hereditary Cancer Syndrome; Hereditary neoplastic syndrome. Identifiers: Orphanet 140162, MedGen C0027672, MeSH D009386, MONDO:0015356.

Submissions (2):

Ambry Genetics
Classification: Uncertain significance for Hereditary cancer-predisposing syndrome. Last evaluated: 2024-03-26. Review status: criteria provided, single submitter. Criteria: Ambry Variant Classification Scheme 2023. Collection method: clinical testing. Allele origin: germline.
Comment: The p.I360K variant (also known as c.1079T>A), located in coding exon 10 of the PMS2 gene, results from a T to A substitution at nucleotide position 1079. The isoleucine at codon 360 is replaced by lysine, an amino acid with dissimilar properties. This amino acid position is not well conserved in available vertebrate species. In addition, the in silico prediction for this alteration is inconclusive. Based on the available evidence, the clinical significance of this alteration remains unclear.

Color Diagnostics, LLC DBA Color Health
Classification: Uncertain significance for Hereditary cancer-predisposing syndrome. Last evaluated: 2024-03-06. Review status: criteria provided, single submitter. Criteria: ACMG Guidelines, 2015. Collection method: clinical testing. Allele origin: germline.
Comment: This missense variant replaces isoleucine with lysine at codon 360 of the PMS2 protein. Computational prediction is inconclusive regarding the impact of this variant on protein structure and function (internally defined REVEL score threshold 0.5 < inconclusive < 0.7, PMID: 27666373). To our knowledge, functional studies have not been reported for this variant. This variant has not been reported in individuals affected with hereditary cancer in the literature. This variant has not been identified in the general population by the Genome Aggregation Database (gnomAD). The available evidence is insufficient to determine the role of this variant in disease conclusively. Therefore, this variant is classified as a Variant of Uncertain Significance.